The following is an entry in ClinVar:

ClinVar aggregate classification (germline): Uncertain significance. Review status: criteria provided, multiple submitters, no conflicts (2 of 4 stars). 2 submissions from 2 submitters: Uncertain significance (2). Last evaluated 2024-03-06.

Conditions:
Cardiomyopathy (CMYO). Also called: Cardiomyopathies. Identifiers: Orphanet 167848, MedGen C0878544, MONDO:0004994, HP:0001638. Inheritance: Various modes of inheritance.
Catecholaminergic polymorphic ventricular tachycardia 1. Also called: VENTRICULAR TACHYCARDIA, CATECHOLAMINERGIC POLYMORPHIC, 1, WITH OR WITHOUT ATRIAL DYSFUNCTION AND/OR DILATED CARDIOMYOPATHY; RYR2-Related Catecholaminergic Polymorphic Ventricular Tachycardia; VENTRICULAR TACHYCARDIA, STRESS-INDUCED POLYMORPHIC 1. Identifiers: Orphanet 3286, MedGen C1631597, MONDO:0011484, OMIM 604772.

Allele frequency attached by ClinVar (database versions not stated): gnomAD exomes below 0.00001.
gnomAD v4.1: 3 of 1,610,168 alleles (0.00019%); highest among the groups gnomAD compares: Non-Finnish European, 0.00025%; no homozygotes.

Submissions (2):

Labcorp Genetics (formerly Invitae), Labcorp
Classification: Uncertain significance for Catecholaminergic polymorphic ventricular tachycardia 1. Last evaluated: 2024-03-06. Review status: criteria provided, single submitter. Criteria: Invitae Variant Classification Sherloc (09022015). Collection method: clinical testing. Allele origin: germline.
Comment: This sequence change falls in intron 27 of the RYR2 gene. It does not directly change the encoded amino acid sequence of the RYR2 protein. This variant is not present in population databases (gnomAD no frequency). This variant has not been reported in the literature in individuals affected with RYR2-related conditions. ClinVar contains an entry for this variant (Variation ID: 925474). Algorithms developed to predict the effect of sequence changes on RNA splicing suggest that this variant may disrupt the consensus splice site. In summary, the available evidence is currently insufficient to determine the role of this variant in disease. Therefore, it has been classified as a Variant of Uncertain Significance.

Color Diagnostics, LLC DBA Color Health
Classification: Uncertain significance for Cardiomyopathy. Last evaluated: 2020-07-22. Review status: criteria provided, single submitter. Criteria: ACMG Guidelines, 2015. Collection method: clinical testing. Allele origin: germline.
Comment: This variant causes a T>G nucleotide substitution at the -14 position of intron 27 of the RYR2 gene. To our knowledge, functional studies have not been reported for this variant. This variant has not been reported in individuals affected with cardiovascular disorders in the literature. This variant has not been identified in the general population by the Genome Aggregation Database (gnomAD). The available evidence is insufficient to determine the role of this variant in disease conclusively. Therefore, this variant is classified as a Variant of Uncertain Significance.

NM_001035.3(RYR2):c.3215-14T>G

Gene: RYR2 (ryanodine receptor 2; plus strand). Cytogenetic location: 1q43.
Variant type: single nucleotide variant.
Coding change: c.3215-14T>G on transcript NM_001035.3 (MANE Select); 14 bases into the intron before coding-DNA position 3215, T replaced by G.
Molecular consequence: intron variant.
Genome position (GRCh38, 1-based): chr1:237,566,553, T>G. VCF-style: chr1-237566553-T-G. GRCh37 (hg19) VCF-style: chr1-237729853-T-G.
Identifiers: ClinVar variation 925474 (VCV000925474.5), dbSNP rs1672104473, ClinGen allele CA913187663.